The following is an entry in ClinVar:

ClinVar aggregate classification (germline): Uncertain significance (1 of 4 stars; one submission).

Conditions:
Niemann-Pick disease, type C1. Also called: NIEMANN-PICK DISEASE, VARIANT TYPE C1; NEUROVISCERAL STORAGE DISEASE WITH VERTICAL SUPRANUCLEAR OPHTHALMOPLEGIA; NIEMANN-PICK DISEASE WITH CHOLESTEROL ESTERIFICATION BLOCK; NIEMANN-PICK DISEASE WITHOUT SPHINGOMYELINASE DEFICIENCY; NIEMANN-PICK DISEASE, CHRONIC NEURONOPATHIC FORM. Identifiers: Orphanet 646, MedGen C3179455, MONDO:0009757, OMIM 257220.

Submission:

Labcorp Genetics (formerly Invitae), Labcorp
Classification: Uncertain significance for Niemann-Pick disease, type C1. Last evaluated: 2022-07-19. Review status: criteria provided, single submitter. Criteria: Invitae Variant Classification Sherloc (09022015). Collection method: clinical testing. Allele origin: germline.
Comment: In summary, the available evidence is currently insufficient to determine the role of this variant in disease. Therefore, it has been classified as a Variant of Uncertain Significance. Advanced modeling of protein sequence and biophysical properties (such as structural, functional, and spatial information, amino acid conservation, physicochemical variation, residue mobility, and thermodynamic stability) performed at Invitae indicates that this missense variant is expected to disrupt NPC1 protein function. This variant has not been reported in the literature in individuals affected with NPC1-related conditions. This variant is not present in population databases (gnomAD no frequency). This sequence change replaces valine, which is neutral and non-polar, with isoleucine, which is neutral and non-polar, at codon 892 of the NPC1 protein (p.Val892Ile).

NM_000271.5(NPC1):c.2674G>A (p.Val892Ile)

Gene: NPC1 (NPC intracellular cholesterol transporter 1; minus strand). Cytogenetic location: 18q11.2.
Variant type: single nucleotide variant.
Coding change: c.2674G>A on transcript NM_000271.5 (MANE Select); coding-DNA position 2674, G replaced by A.
Protein change: p.Val892Ile; replaces valine 892 with isoleucine.
Molecular consequence: missense variant.
Genome position (GRCh38, 1-based): chr18:23,539,932, C>T on the plus strand (G>A on the coding strand, the complement: NPC1 is on the minus strand). VCF-style: chr18-23539932-C-T. GRCh37 (hg19) VCF-style: chr18-21119896-C-T.
Other names: short protein forms V892I.
Identifiers: ClinVar variation 2077012 (VCV002077012.4), dbSNP rs2145373610, ClinGen allele CA401792895.